The following is an entry in ClinVar:

ClinVar aggregate classification (germline): Conflicting classifications of pathogenicity. Review status: criteria provided, conflicting classifications (1 of 4 stars). 5 submissions from 5 submitters: Uncertain significance (2); Likely benign (2). 1 of the submissions does not count toward it. Last evaluated 2026-01-26.

Conditions:
Peroxisome biogenesis disorder 13A (Zellweger). Also called: Peroxisome biogenesis disorder 13A. Identifiers: Orphanet 912, MedGen C3554004, MONDO:0013952, OMIM 614887.
PEX14-related disorder. Also called: PEX14-related condition.
Peroxisome biogenesis disorder, complementation group K (CGK). Identifiers: MedGen C1866257, MONDO:0800365.

Allele frequency attached by ClinVar (database versions not stated): gnomAD 0.00009; gnomAD exomes 0.00009 and 0.00014; TOPMed 0.00009; ExAC 0.00012; 1000 Genomes Project 30x 0.00016; 1000 Genomes Project 0.00020; ESP Exome Variant Server 0.00031.
gnomAD v4.1: 149 of 1,613,964 alleles (0.0092%); highest among the groups gnomAD compares: East Asian, 0.0067%; no homozygotes.

Submissions (5):

Labcorp Genetics (formerly Invitae), Labcorp
Classification: Likely benign for Peroxisome biogenesis disorder, complementation group K. Last evaluated: 2026-01-26. Review status: criteria provided, single submitter. Criteria: Invitae Variant Classification Sherloc (09022015). Collection method: clinical testing. Allele origin: germline.

Blueprint Genetics
Classification: Likely benign. Last evaluated: 2024-08-29. Review status: criteria provided, single submitter. Criteria: ACMG Guidelines, 2015. Collection method: clinical testing. Allele origin: germline.

Mayo Clinic Laboratories, Mayo Clinic
Classification: Uncertain significance. Last evaluated: 2023-10-06. Review status: criteria provided, single submitter. Criteria: ACMG Guidelines, 2015. Collection method: clinical testing. Allele origin: germline. Observed: 1 variant allele.
Comment: BP4

Illumina Laboratory Services, Illumina
Classification: Uncertain significance for Peroxisome biogenesis disorder 13A (Zellweger). Last evaluated: 2018-01-13. Review status: criteria provided, single submitter. Criteria: ICSL Variant Classification Criteria 13 December 2019. Collection method: clinical testing. Allele origin: germline.

PreventionGenetics, part of Exact Sciences
Classification: Likely benign for PEX14-related condition. Last evaluated: 2023-02-27. Review status: no assertion criteria provided. Collection method: clinical testing. Allele origin: germline. Not counted in ClinVar's aggregate classification.
Comment: This variant is classified as likely benign based on ACMG/AMP sequence variant interpretation guidelines (Richards et al. 2015 PMID: 25741868, with internal and published modifications).

NM_004565.3(PEX14):c.766G>A (p.Val256Met)

Gene: PEX14 (peroxisomal biogenesis factor 14; plus strand). Cytogenetic location: 1p36.22.
Variant type: single nucleotide variant.
Coding change: c.766G>A on transcript NM_004565.3 (MANE Select); coding-DNA position 766, G replaced by A.
Protein change: p.Val256Met; replaces valine 256 with methionine.
Molecular consequence: missense variant.
Genome position (GRCh38, 1-based): chr1:10,629,619, G>A. VCF-style: chr1-10629619-G-A. GRCh37 (hg19) VCF-style: chr1-10689676-G-A.
Other names: p.Val256Met; short protein forms V256M.
Identifiers: ClinVar variation 800261 (VCV000800261.17), dbSNP rs143378690, ClinGen allele CA583964.